The following is an entry in ClinVar:

ClinVar aggregate classification (germline): Uncertain significance (1 of 4 stars; one submission).

Conditions:
Autosomal dominant nonsyndromic hearing loss 65. Also called: Deafness, autosomal dominant 65; TBC1D24-Related Autosomal Dominant Nonsyndromic Hearing Loss (DFNA). Identifiers: Orphanet 90635, MedGen C3892048, MONDO:0014470, OMIM 616044.
Developmental and epileptic encephalopathy, 1 (DEE1). Also called: Epileptic encephalopathy, early infantile, 1; X-linked infantile spasms; West's syndrome; Tonic spasms with clustering, arrest of psychomotor development and hypsarrhythmia on EEG; X-Linked Infantile Spasm Syndrome; OHTAHARA SYNDROME, X-LINKED. Identifiers: MedGen C3463992, MONDO:0010632, OMIM 308350. Disease mechanism: loss of function.

Submission:

Labcorp Genetics (formerly Invitae), Labcorp
Classification: Uncertain significance for Developmental and epileptic encephalopathy, 1; Autosomal dominant nonsyndromic hearing loss 65. Last evaluated: 2020-01-04. Review status: criteria provided, single submitter. Criteria: Invitae Variant Classification Sherloc (09022015). Collection method: clinical testing. Allele origin: germline.
Comment: In summary, the available evidence is currently insufficient to determine the role of this variant in disease. Therefore, it has been classified as a Variant of Uncertain Significance. This variant disrupts the p.Ala244 amino acid residue in TBC1D24. Other variant(s) that disrupt this residue have been observed in individuals with TBC1D24-related conditions (PMID: 27281533, 28072960), which suggests that this may be a clinically significant amino acid residue. Advanced modeling of protein sequence and biophysical properties (such as structural, functional, and spatial information, amino acid conservation, physicochemical variation, residue mobility, and thermodynamic stability) performed at Invitae indicates that this missense variant is expected to disrupt TBC1D24 protein function. This variant has not been reported in the literature in individuals with TBC1D24-related conditions. This variant is not present in population databases (ExAC no frequency). This sequence change replaces alanine with glutamic acid at codon 244 of the TBC1D24 protein (p.Ala244Glu). The alanine residue is highly conserved and there is a moderate physicochemical difference between alanine and glutamic acid.

Literature cited by the submitters: PubMed 27281533; PubMed 28072960.

NM_001199107.2(TBC1D24):c.731C>A (p.Ala244Glu)

Gene: TBC1D24 (TBC1 domain family member 24; plus strand). Cytogenetic location: 16p13.3.
Variant type: single nucleotide variant.
Coding change: c.731C>A on transcript NM_001199107.2 (MANE Select); coding-DNA position 731, C replaced by A.
Protein change: p.Ala244Glu; replaces alanine 244 with glutamic acid.
Molecular consequence: missense variant.
Genome position (GRCh38, 1-based): chr16:2,496,879, C>A. VCF-style: chr16-2496879-C-A. GRCh37 (hg19) VCF-style: chr16-2546880-C-A.
Other names: c.731C>A, p.Ala244Glu (NM_020705.3); short protein forms A244E.
Identifiers: ClinVar variation 574391 (VCV000574391.9), dbSNP rs375873110, ClinGen allele CA394377072.